The following is an entry in ClinVar:

ClinVar aggregate classification (germline): Uncertain significance (1 of 4 stars; one submission).

gnomAD v4.1: 4 of 1,610,848 alleles (0.00025%); highest among the groups gnomAD compares: African/African-American, 0.004%; no homozygotes.

Submission:

Labcorp Genetics (formerly Invitae), Labcorp
Classification: Uncertain significance. Last evaluated: 2025-05-18. Review status: criteria provided, single submitter. Criteria: Invitae Variant Classification Sherloc (09022015). Collection method: clinical testing. Allele origin: germline.
Comment: This sequence change falls in intron 20 of the RASA2 gene. It does not directly change the encoded amino acid sequence of the RASA2 protein. This variant is present in population databases (rs371555439, gnomAD 0.007%). This variant has not been reported in the literature in individuals affected with RASA2-related conditions. Algorithms developed to predict the effect of sequence changes on RNA splicing suggest that this variant may disrupt the consensus splice site. In summary, the available evidence is currently insufficient to determine the role of this variant in disease. Therefore, it has been classified as a Variant of Uncertain Significance.

NM_006506.5(RASA2):c.2017-16T>C

Gene: RASA2 (RAS p21 protein activator 2; plus strand). Cytogenetic location: 3q23.
Variant type: single nucleotide variant.
Coding change: c.2017-16T>C on transcript NM_006506.5 (MANE Select); 16 bases into the intron before coding-DNA position 2017, T replaced by C.
Molecular consequence: intron variant.
Genome position (GRCh38, 1-based): chr3:141,608,473, T>C. VCF-style: chr3-141608473-T-C. GRCh37 (hg19) VCF-style: chr3-141327315-T-C.
Other names: c.2020-16T>C (NM_001303245.3); c.2029-16T>C (NM_001303246.3).
Identifiers: ClinVar variation 4762558 (VCV004762558.1).